The following is an entry in ClinVar:

ClinVar aggregate classification (germline): Pathogenic (1 of 4 stars; one submission).

Submission:

Labcorp Genetics (formerly Invitae), Labcorp
Classification: Pathogenic. Last evaluated: 2022-05-15. Review status: criteria provided, single submitter. Criteria: Invitae Variant Classification Sherloc (09022015). Collection method: clinical testing. Allele origin: germline.
Comment: For these reasons, this variant has been classified as Pathogenic. This variant disrupts a region of the GJB2 protein in which other variant(s) (p.Leu213*) have been determined to be pathogenic (PMID: 23141775). This suggests that this is a clinically significant region of the protein, and that variants that disrupt it are likely to be disease-causing. This variant has not been reported in the literature in individuals affected with GJB2-related conditions. This variant is not present in population databases (gnomAD no frequency). This sequence change creates a premature translational stop signal (p.Gln164*) in the GJB2 gene. While this is not anticipated to result in nonsense mediated decay, it is expected to disrupt the last 63 amino acid(s) of the GJB2 protein.

Literature cited by the submitters: PubMed 23141775.

NM_004004.6(GJB2):c.490C>T (p.Gln164Ter)

Gene: GJB2 (gap junction protein beta 2; minus strand). Cytogenetic location: 13q12.11.
Variant type: single nucleotide variant.
Coding change: c.490C>T on transcript NM_004004.6 (MANE Select); coding-DNA position 490, C replaced by T.
Protein change: p.Gln164Ter; replaces glutamine 164 with a stop codon.
Molecular consequence: nonsense.
Genome position (GRCh38, 1-based): chr13:20,189,092, G>A on the plus strand (C>T on the coding strand, the complement: GJB2 is on the minus strand). VCF-style: chr13-20189092-G-A. GRCh37 (hg19) VCF-style: chr13-20763231-G-A.
Other names: short protein forms Q164*.
Identifiers: ClinVar variation 2152414 (VCV002152414.4), dbSNP rs757699303, ClinGen allele CA387461037.